The following is an entry in ClinVar:

NM_147196.3(TMIE):c.163C>T (p.Arg55Cys)

Gene: TMIE (transmembrane inner ear; plus strand). Cytogenetic location: 3p21.31.
Variant type: single nucleotide variant.
Coding change: c.163C>T on transcript NM_147196.3 (MANE Select); coding-DNA position 163, C replaced by T.
Protein change: p.Arg55Cys; replaces arginine 55 with cysteine.
Molecular consequence: missense variant.
Genome position (GRCh38, 1-based): chr3:46,705,859, C>T. VCF-style: chr3-46705859-C-T. GRCh37 (hg19) VCF-style: chr3-46747349-C-T.
Other names: c.4C>T, p.Arg2Cys (NM_001370524.1, NM_001370525.1); short protein forms R2C, R55C.
Identifiers: ClinVar variation 1908201 (VCV001908201.6), dbSNP rs746409545, ClinGen allele CA2357943.

ClinVar aggregate classification (germline): Conflicting classifications of pathogenicity. Review status: criteria provided, conflicting classifications (1 of 4 stars). 2 submissions from 2 submitters: Likely pathogenic (1); Uncertain significance (1). Last evaluated 2023-07-29.

Conditions:
Inborn genetic diseases. Identifiers: MedGen C0950123, MeSH D030342.

Allele frequency attached by ClinVar (database versions not stated): ExAC 0.00001; gnomAD exomes 0.00002; TOPMed 0.00002; gnomAD 0.00003.

Submissions (2):

Labcorp Genetics (formerly Invitae), Labcorp
Classification: Likely pathogenic. Last evaluated: 2023-07-29. Review status: criteria provided, single submitter. Criteria: Invitae Variant Classification Sherloc (09022015). Collection method: clinical testing. Allele origin: germline.
Comment: In summary, the currently available evidence indicates that the variant is pathogenic, but additional data are needed to prove that conclusively. Therefore, this variant has been classified as Likely Pathogenic. An algorithm developed to predict the effect of missense changes on protein structure and function (PolyPhen-2) suggests that this variant is likely to be disruptive. ClinVar contains an entry for this variant (Variation ID: 1908201). This missense change has been observed in individual(s) with deafness (Invitae). In at least one individual the data is consistent with being in trans (on the opposite chromosome) from a pathogenic variant. It has also been observed to segregate with disease in related individuals. This variant is present in population databases (rs746409545, gnomAD 0.005%). This sequence change replaces arginine, which is basic and polar, with cysteine, which is neutral and slightly polar, at codon 55 of the TMIE protein (p.Arg55Cys).

Ambry Genetics
Classification: Uncertain significance for Inborn genetic diseases. Last evaluated: 2021-10-06. Review status: criteria provided, single submitter. Criteria: Ambry Variant Classification Scheme 2023. Collection method: clinical testing. Allele origin: germline.